The following is an entry in ClinVar:

ClinVar aggregate classification (germline): Uncertain significance (1 of 4 stars; one submission).

Conditions:
KSR2-related disorder. Also called: KSR2-related condition.

gnomAD v4.1: 4 of 1,613,888 alleles (0.00025%); highest among the groups gnomAD compares: Non-Finnish European, 0.00034%; no homozygotes.

Submission:

PreventionGenetics, part of Exact Sciences
Classification: Uncertain significance for KSR2-related condition. Last evaluated: 2025-05-10. Review status: criteria provided, single submitter. Criteria: ACMG Guidelines, 2015. Collection method: clinical testing. Allele origin: germline.
Comment: The KSR2 c.1861A>C variant is predicted to result in the amino acid substitution p.Ser621Arg. To our knowledge, this variant has not been reported in the literature. This variant is reported in 0.0065% of alleles in individuals of European (Non-Finnish) descent in gnomAD. At this time, the clinical significance of this variant is uncertain due to the absence of conclusive functional and genetic evidence.

NM_173598.6(KSR2):c.1948A>C (p.Ser650Arg)

Gene: KSR2 (kinase suppressor of ras 2; minus strand). Cytogenetic location: 12q24.22.
Variant type: single nucleotide variant.
Coding change: c.1948A>C on transcript NM_173598.6 (MANE Select); coding-DNA position 1948, A replaced by C.
Protein change: p.Ser650Arg; replaces serine 650 with arginine.
Molecular consequence: missense variant.
Genome position (GRCh38, 1-based): chr12:117,525,123, T>G on the plus strand (A>C on the coding strand, the complement: KSR2 is on the minus strand). VCF-style: chr12-117525123-T-G. GRCh37 (hg19) VCF-style: chr12-117962928-T-G.
Other names: short protein forms S650R.
Identifiers: ClinVar variation 3357333 (VCV003357333.2).